The following is an entry in ClinVar:

ClinVar aggregate classification (germline): Uncertain significance (1 of 4 stars; one submission).

Submission:

Labcorp Genetics (formerly Invitae), Labcorp
Classification: Uncertain significance. Last evaluated: 2022-03-18. Review status: criteria provided, single submitter. Criteria: Invitae Variant Classification Sherloc (09022015). Collection method: clinical testing. Allele origin: germline.
Comment: In summary, the available evidence is currently insufficient to determine the role of this variant in disease. Therefore, it has been classified as a Variant of Uncertain Significance. This sequence change falls in intron 3 of the ERCC2 gene. It does not directly change the encoded amino acid sequence of the ERCC2 protein. This variant is not present in population databases (gnomAD no frequency). This variant has not been reported in the literature in individuals affected with ERCC2-related conditions. Algorithms developed to predict the effect of sequence changes on RNA splicing suggest that this variant may disrupt the consensus splice site.

NM_000400.4(ERCC2):c.184-10T>G

Gene: ERCC2 (ERCC excision repair 2, TFIIH core complex helicase subunit; minus strand). Cytogenetic location: 19q13.32.
Variant type: single nucleotide variant.
Coding change: c.184-10T>G on transcript NM_000400.4 (MANE Select); 10 bases into the intron before coding-DNA position 184, T replaced by G.
Molecular consequence: intron variant.
Genome position (GRCh38, 1-based): chr19:45,369,002, A>C on the plus strand (T>G on the coding strand, the complement: ERCC2 is on the minus strand). VCF-style: chr19-45369002-A-C. GRCh37 (hg19) VCF-style: chr19-45872260-A-C.
Other names: c.112-10T>G (NM_001130867.2).
Identifiers: ClinVar variation 2094229 (VCV002094229.4), dbSNP rs1972519011, ClinGen allele CA2338398229.